The following is an entry in ClinVar:

NM_024996.7(GFM1):c.-31A>G

Gene: GFM1 (G elongation factor mitochondrial 1; plus strand). Cytogenetic location: 3q25.32.
Variant type: single nucleotide variant.
Coding change: c.-31A>G on transcript NM_024996.7 (MANE Select); 31 bases upstream of the start codon, A replaced by G.
Molecular consequence: 5 prime UTR variant. On other transcripts: non-coding transcript variant (4).
Genome position (GRCh38, 1-based): chr3:158,644,604, A>G. VCF-style: chr3-158644604-A-G. GRCh37 (hg19) VCF-style: chr3-158362393-A-G.
Other names: c.-31A>G (NM_001308164.2, NM_001308166.2, NM_001374355.1 and 2 more transcripts); c.-422A>G (NM_001374357.1); c.-260A>G (NM_001374359.1, NM_001374360.1, NM_001374361.1).
Identifiers: ClinVar variation 137469 (VCV000137469.6), dbSNP rs28372853, ClinGen allele CA291069.

ClinVar aggregate classification (germline): Benign. Review status: criteria provided, multiple submitters, no conflicts (2 of 4 stars). 3 submissions from 3 submitters: Benign (3). Last evaluated 2018-01-12.

Conditions:
Hepatoencephalopathy due to combined oxidative phosphorylation defect type 1. Also called: HEPATOENCEPHALOPATHY, EARLY FATAL PROGRESSIVE. Identifiers: Orphanet 137681, MedGen C1836797, MONDO:0012191, OMIM 609060.

Allele frequency attached by ClinVar (database versions not stated): ESP Exome Variant Server 0.00008; TOPMed 0.00329; ExAC 0.00471; gnomAD exomes 0.00643; gnomAD 0.00742; 1000 Genomes Project 30x 0.00968; 1000 Genomes Project 0.01058.
gnomAD v4.1: 4,649 of 1,550,486 alleles (0.3%); highest among the groups gnomAD compares: East Asian, 5.1%; 91 homozygotes.

Submissions (3):

Illumina Laboratory Services, Illumina
Classification: Benign for Hepatoencephalopathy due to combined oxidative phosphorylation defect type 1. Last evaluated: 2018-01-12. Review status: criteria provided, single submitter. Criteria: ICSL Variant Classification Criteria 13 December 2019. Collection method: clinical testing. Allele origin: germline.
Comment: This variant was observed in the ICSL laboratory as part of a predisposition screen in an ostensibly healthy population. It had not been previously curated by ICSL or reported in the Human Gene Mutation Database (HGMD: prior to June 1st, 2018), and was therefore a candidate for classification through an automated scoring system. Utilizing variant allele frequency, disease prevalence and penetrance estimates, and inheritance mode, an automated score was calculated to assess if this variant is too frequent to cause the disease. Based on the score and internal cut-off values, a variant classified as benign is not then subjected to further curation. The score for this variant resulted in a classification of benign for this disease.

GeneDx
Classification: Benign. Last evaluated: 2013-03-04. Review status: criteria provided, single submitter. Criteria: GeneDx Variant Classification (06012015). Collection method: clinical testing. Allele origin: germline. Affected: yes.
Comment: This variant is considered likely benign or benign based on one or more of the following criteria: it is a conservative change, it occurs at a poorly conserved position in the protein, it is predicted to be benign by multiple in silico algorithms, and/or has population frequency not consistent with disease.

Breakthrough Genomics
Classification: Benign. Review status: criteria provided, single submitter. Criteria: ACMG Guidelines, 2015. Collection method: not provided. Allele origin: germline. Inheritance: Autosomal recessive inheritance. Affected: yes.